The following is an entry in ClinVar:

NM_001165963.4(SCN1A):c.137A>G (p.Glu46Gly)

Gene: SCN1A (sodium voltage-gated channel alpha subunit 1; minus strand). Cytogenetic location: 2q24.3.
Variant type: single nucleotide variant.
Coding change: c.137A>G on transcript NM_001165963.4 (MANE Select); coding-DNA position 137, A replaced by G.
Protein change: p.Glu46Gly; replaces glutamic acid 46 with glycine.
Molecular consequence: missense variant. On other transcripts: 5 prime UTR variant (1), non-coding transcript variant (1).
Genome position (GRCh38, 1-based): chr2:166,073,485, T>C on the plus strand (A>G on the coding strand, the complement: SCN1A is on the minus strand). VCF-style: chr2-166073485-T-C. GRCh37 (hg19) VCF-style: chr2-166929995-T-C.
Other names: c.137A>G, p.Glu46Gly (NM_001165964.3, NM_001202435.3, NM_001353948.2 and 10 more transcripts); c.-2289A>G (NM_001353961.2); short protein forms E46G.
Identifiers: ClinVar variation 5006120 (VCV005006120.2).
Genomic context (GRCh38, chr2:166,073,485, plus strand): 5'-CCATAAATAAATGGAAGGTTCTTTCCAGCTTCCAAGTCACTATTTGGCTTTGGGCCATTT[T>C]CGTCGTCATCTTTTTTGTCTGGTTTGGGATTCTTTGCCTTTTCTTCTGCAATGCGTCTTT-3'
Protein context (NP_001159435.1, residues 36-56): NPKPDKKDDD[Glu46Gly]NGPKPNSDLE

ClinVar aggregate classification (germline): Uncertain significance (1 of 4 stars; one submission).

Conditions:
Migraine, familial hemiplegic, 3. Identifiers: Orphanet 569, MedGen C1864987, MONDO:0012320, OMIM 609634.
Severe myoclonic epilepsy in infancy (DRVT). Also called: SEVERE MYOCLONIC EPILEPSY OF INFANCY; DEVELOPMENTAL AND EPILEPTIC ENCEPHALOPATHY 6A; Severe Myoclonic Epilepsy in Infancy (SMEI); Dravet syndrome; Epileptic encephalopathy, early infantile, 6 (Dravet syndrome). Identifiers: Orphanet 33069, MedGen C0751122, MONDO:0100135, OMIM 607208.
Developmental and epileptic encephalopathy 6B. Also called: Developmental and epileptic encephalopathy 6B, non-Dravet. Identifiers: MedGen C5543353, MONDO:0030268, OMIM 619317.
Generalized epilepsy with febrile seizures plus, type 2 (GEFSP2). Also called: GEFS+, TYPE 2. Identifiers: Orphanet 36387, MedGen C1858673, MONDO:0011461, OMIM 604403.

gnomAD v4.1: 1 of 1,614,100 alleles (0.000062%); highest among the groups gnomAD compares: Non-Finnish European, 0.000085%; no homozygotes.

Submission:

Juno Genomics, Hangzhou Juno Genomics, Inc
Classification: Uncertain significance for Developmental and epileptic encephalopathy 6B; Severe myoclonic epilepsy in infancy; Generalized epilepsy with febrile seizures plus, type 2; Migraine, familial hemiplegic, 3. Review status: criteria provided, single submitter. Criteria: ACMG Guidelines, 2015. Collection method: clinical testing. Allele origin: germline.
Comment: Absent from controls (or at extremely low frequency if recessive) in Genome Aggregation Database.;Missense variant in a gene that has a low rate of benign missense variation.;Multiple lines of computational evidence support a deleterious effect on the gene or gene product.